The following is an entry in ClinVar:

NM_000553.6(WRN):c.3098G>T (p.Arg1033Leu)

Gene: WRN (WRN RecQ like helicase; plus strand). Cytogenetic location: 8p12.
Variant type: single nucleotide variant.
Coding change: c.3098G>T on transcript NM_000553.6 (MANE Select); coding-DNA position 3098, G replaced by T.
Protein change: p.Arg1033Leu; replaces arginine 1033 with leucine.
Molecular consequence: missense variant.
Genome position (GRCh38, 1-based): chr8:31,141,560, G>T. VCF-style: chr8-31141560-G-T. GRCh37 (hg19) VCF-style: chr8-30999076-G-T.
Other names: short protein forms R1033L.
Identifiers: ClinVar variation 289514 (VCV000289514.11), dbSNP rs367789256, ClinGen allele CA10606469.

ClinVar aggregate classification (germline): Uncertain significance. Review status: criteria provided, multiple submitters, no conflicts (2 of 4 stars). 2 submissions from 2 submitters: Uncertain significance (2). Last evaluated 2024-02-15.

Conditions:
Werner syndrome (WRN). Identifiers: Orphanet 902, MedGen C0043119, MONDO:0010196, OMIM 277700.

gnomAD v4.1: 12 of 1,614,060 alleles (0.00074%); highest among the groups gnomAD compares: South Asian, 0.0011%; no homozygotes.

Submissions (2):

Labcorp Genetics (formerly Invitae), Labcorp
Classification: Uncertain significance for Werner syndrome. Last evaluated: 2024-02-15. Review status: criteria provided, single submitter. Criteria: Invitae Variant Classification Sherloc (09022015). Collection method: clinical testing. Allele origin: germline.
Comment: This sequence change replaces arginine, which is basic and polar, with leucine, which is neutral and non-polar, at codon 1033 of the WRN protein (p.Arg1033Leu). This variant is not present in population databases (gnomAD no frequency). This variant has not been reported in the literature in individuals affected with WRN-related conditions. ClinVar contains an entry for this variant (Variation ID: 289514). An algorithm developed to predict the effect of missense changes on protein structure and function (PolyPhen-2) suggests that this variant is likely to be tolerated. In summary, the available evidence is currently insufficient to determine the role of this variant in disease. Therefore, it has been classified as a Variant of Uncertain Significance.

Eurofins Ntd Llc (ga)
Classification: Uncertain significance. Last evaluated: 2016-07-28. Review status: criteria provided, single submitter. Criteria: EGL Classification Definitions 2015. Collection method: clinical testing. Allele origin: germline. Observed: 1 variant allele, 1 heterozygote.